The following is an entry in ClinVar:

NM_021098.3(CACNA1H):c.3232A>C (p.Met1078Leu)

Gene: CACNA1H (calcium voltage-gated channel subunit alpha1 H; plus strand). Cytogenetic location: 16p13.3.
Variant type: single nucleotide variant.
Coding change: c.3232A>C on transcript NM_021098.3 (MANE Select); coding-DNA position 3232, A replaced by C.
Protein change: p.Met1078Leu; replaces methionine 1078 with leucine.
Molecular consequence: missense variant.
Genome position (GRCh38, 1-based): chr16:1,208,090, A>C. VCF-style: chr16-1208090-A-C. GRCh37 (hg19) VCF-style: chr16-1258090-A-C.
Other names: c.3232A>C, p.Met1078Leu (NM_001005407.2); short protein forms M1078L.
Identifiers: ClinVar variation 2226473 (VCV002226473.3), dbSNP rs760928741, ClinGen allele CA394171963.

ClinVar aggregate classification (germline): Conflicting classifications of pathogenicity. Review status: criteria provided, conflicting classifications (1 of 4 stars). 2 submissions from 2 submitters: Uncertain significance (1); Likely benign (1). Last evaluated 2024-09-20.

Conditions:
Inborn genetic diseases. Identifiers: MedGen C0950123, MeSH D030342.
Hyperaldosteronism, familial, type IV (HALD4). Also called: FH IV; ALDOSTERONISM, PRIMARY, AND HYPERTENSION. Identifiers: Orphanet 642671, MedGen C4310756, MONDO:0014875, OMIM 617027.

Submissions (2):

3billion
Classification: Likely benign for Hyperaldosteronism, familial, type IV. Last evaluated: 2024-09-20. Review status: criteria provided, single submitter. Criteria: ACMG Guidelines, 2015. Collection method: clinical testing. Allele origin: germline. Affected: no.
Comment: The variant was identified in at least one patient who was diagnosed with a different variant in another gene and showed no symptoms related to the gene containing the variant in question. Additionally, It was found as homozygous in at least one patient wth no related symptoms.

Ambry Genetics
Classification: Uncertain significance for Inborn genetic diseases. Last evaluated: 2022-02-03. Review status: criteria provided, single submitter. Criteria: Ambry Variant Classification Scheme 2023. Collection method: clinical testing. Allele origin: germline.